The following is an entry in ClinVar:

ClinVar aggregate classification (germline): Benign/Likely benign. Review status: criteria provided, multiple submitters, no conflicts (2 of 4 stars). 3 submissions from 3 submitters: Benign (1); Likely benign (2). Last evaluated 2025-03-30.

Conditions:
Hereditary cancer-predisposing syndrome. Also called: Neoplastic Syndromes, Hereditary; Hereditary neoplastic syndrome; Tumor predisposition; Hereditary Cancer Syndrome. Identifiers: Orphanet 140162, MedGen C0027672, MeSH D009386, MONDO:0015356.
Familial cancer of breast. Also called: BREAST CANCER, FAMILIAL; hereditary breast carcinoma; Hereditary breast cancer. Identifiers: Orphanet 227535, MedGen C0346153, MONDO:0016419, OMIM 114480. Disease mechanism: loss of function.

Allele frequency attached by ClinVar (database versions not stated): TOPMed 0.00001.
gnomAD v4.1: 2 of 1,613,476 alleles (0.00012%); highest among the groups gnomAD compares: Admixed American, 0.0017%; no homozygotes.

Submissions (3):

Labcorp Genetics (formerly Invitae), Labcorp
Classification: Likely benign for Familial cancer of breast. Last evaluated: 2025-03-30. Review status: criteria provided, single submitter. Criteria: Invitae Variant Classification Sherloc (09022015). Collection method: clinical testing. Allele origin: germline.

Myriad Genetics, Inc.
Classification: Benign for Familial cancer of breast. Last evaluated: 2024-07-26. Review status: criteria provided, single submitter. Criteria: Myriad Autosomal Dominant, Autosomal Recessive and X-Linked Classification Criteria (2023). Collection method: clinical testing. Allele origin: unknown.
Comment: This variant is considered benign. This variant is a silent/synonymous amino acid change and it is not expected to impact splicing.

Ambry Genetics
Classification: Likely benign for Hereditary cancer-predisposing syndrome. Last evaluated: 2018-01-30. Review status: criteria provided, single submitter. Criteria: Ambry Variant Classification Scheme 2023. Collection method: clinical testing. Allele origin: germline.

NM_000465.4(BARD1):c.1593C>G (p.Val531=)

Gene: BARD1 (BRCA1 associated RING domain 1; minus strand). Cytogenetic location: 2q35.
Variant type: single nucleotide variant.
Coding change: c.1593C>G on transcript NM_000465.4 (MANE Select); coding-DNA position 1593, C replaced by G.
Protein change: p.Val531=; no amino-acid change (valine 531 retained).
Molecular consequence: synonymous variant. On other transcripts: non-coding transcript variant (3), intron variant (1).
Genome position (GRCh38, 1-based): chr2:214,752,531, G>C on the plus strand (C>G on the coding strand, the complement: BARD1 is on the minus strand). VCF-style: chr2-214752531-G-C. GRCh37 (hg19) VCF-style: chr2-215617255-G-C.
Other names: c.1536C>G, p.Val512= (NM_001282543.2); c.240C>G, p.Val80= (NM_001282545.2); c.183C>G, p.Val61= (NM_001282548.2); c.365-22023C>G (NM_001282549.2).
Identifiers: ClinVar variation 237822 (VCV000237822.16), dbSNP rs564894014, ClinGen allele CA10581924.
Genomic context (GRCh38, chr2:214,752,531, plus strand): 5'-TGATTCATTCTTCTCTGGTAGCAGCAATAGCGATTTCATACTTTCATCATCTGTATAATC[G>C]ACAGGCCGCAGACCAAATATATTACTGGTAAAATAAGTGCAGATGTGTTTAAGTAAGTCA-3'
Protein context (NP_000456.2, residues 521-541): NAVNIFGLRP[Val531=]DYTDDESMKS